The following is an entry in ClinVar:

NM_004171.4(SLC1A2):c.18-5134C>A

Gene: SLC1A2 (solute carrier family 1 member 2; minus strand). Cytogenetic location: 11p13.
Variant type: single nucleotide variant.
Coding change: c.18-5134C>A on transcript NM_004171.4 (MANE Select); 5134 bases into the intron before coding-DNA position 18, C replaced by A.
Molecular consequence: intron variant. On other transcripts: 5 prime UTR variant (1).
Genome position (GRCh38, 1-based): chr11:35,322,650, G>T on the plus strand (C>A on the coding strand, the complement: SLC1A2 is on the minus strand). VCF-style: chr11-35322650-G-T. GRCh37 (hg19) VCF-style: chr11-35344197-G-T.
Other names: c.-100C>A (NM_001195728.3); c.6-5134C>A (NM_001439342.1); c.-10-5134C>A (NM_001439341.1, NM_001252652.2); c.18-5134C>A (NM_001439343.1).
Identifiers: ClinVar variation 4822806 (VCV004822806.4).

ClinVar aggregate classification (germline): Likely benign (1 of 4 stars; one submission).

gnomAD v4.1: 26 of 1,534,780 alleles (0.0017%); highest among the groups gnomAD compares: Admixed American, 0.049%; no homozygotes.

Submission:

CeGaT Center for Human Genetics Tuebingen
Classification: Likely benign. Last evaluated: 2026-03-01. Review status: criteria provided, single submitter. Criteria: CeGaT Center For Human Genetics Tuebingen Variant Classification Criteria Version 2. Collection method: clinical testing. Allele origin: germline. Affected: yes. Observed: 1 variant allele.
Comment: SLC1A2: BP4, BP7